The following is an entry in ClinVar:

NM_177438.3(DICER1):c.884C>G (p.Ser295Cys)

Gene: DICER1 (dicer 1, ribonuclease III; minus strand). Cytogenetic location: 14q32.13.
Variant type: single nucleotide variant.
Coding change: c.884C>G on transcript NM_177438.3 (MANE Select); coding-DNA position 884, C replaced by G.
Protein change: p.Ser295Cys; replaces serine 295 with cysteine.
Molecular consequence: missense variant.
Genome position (GRCh38, 1-based): chr14:95,126,599, G>C on the plus strand (C>G on the coding strand, the complement: DICER1 is on the minus strand). VCF-style: chr14-95126599-G-C. GRCh37 (hg19) VCF-style: chr14-95592936-G-C.
Other names: NM_030621.4(DICER1):c.884C>G; p.Ser295Cys; c.884C>G, p.Ser295Cys (NM_001195573.1, NM_001271282.3, NM_001291628.2 and 1 more transcripts); short protein forms S295C.
Identifiers: ClinVar variation 242151 (VCV000242151.37), dbSNP rs548231008, ClinGen allele CA7331562.

ClinVar aggregate classification (germline): Benign. Review status: reviewed by expert panel (3 of 4 stars). 10 submissions from 10 submitters: Benign (1). 9 of the submissions do not count toward it. Last evaluated 2022-05-18.

Conditions:
DICER1-related disorder. Also called: DICER1-related condition.
Hereditary cancer-predisposing syndrome. Also called: Neoplastic Syndromes, Hereditary; Tumor predisposition; Hereditary neoplastic syndrome; Hereditary Cancer Syndrome. Identifiers: Orphanet 140162, MedGen C0027672, MeSH D009386, MONDO:0015356.
DICER1-related tumor predisposition. Also called: DICER1 syndrome; DICER1-related pleuropulmonary blastoma cancer predisposition syndrome. Identifiers: Orphanet 284343, MedGen C3839822, MONDO:0100216.

Allele frequency attached by ClinVar (database versions not stated): gnomAD 0.00001 and 0.00032; TOPMed 0.00005; gnomAD exomes 0.00088; ExAC 0.00095; 1000 Genomes Project 30x 0.00281; 1000 Genomes Project 0.00300.
gnomAD v4.1: 579 of 1,534,522 alleles (0.038%); highest among the groups gnomAD compares: South Asian, 0.62%; 4 homozygotes.

Submissions (10):

ClinGen DICER1 and miRNA-Processing Gene Variant Curation Expert Panel, ClinGen
Classification: Benign for DICER1-related tumor predisposition. Last evaluated: 2022-05-18. Review status: reviewed by expert panel. Criteria: ClinGen DICER1 ACMG Specifications DICER1 v1. Collection method: curation. Allele origin: germline. Inheritance: Autosomal dominant inheritance.
Comment: The NM_177438.2:c.884C>G variant in DICER1 is a missense variant predicted to cause substitution of serine by cysteine at amino acid 295 (p.Ser295Cys). The highest population minor allele frequency in gnomAD v2.1.1 (non-cancer) is 0.0072 (219/30496 alleles; FAF=0.0064) in the South Asian population, which is higher than the ClinGen DICER1 VCEP threshold (>0.003) for BA1, and therefore meets this criterion (BA1). In summary, this variant meets the criteria to be classified as BENIGN for DICER1 syndrome based on the ACMG/AMP criteria applied, as specified by the ClinGen DICER1 VCEP: BA1. (Bayesian Points: NA; VCEP specifications version 1; 02/11/2022)

Labcorp Genetics (formerly Invitae), Labcorp
Classification: Benign for DICER1-related tumor predisposition. Last evaluated: 2026-02-03. Review status: criteria provided, single submitter. Criteria: Invitae Variant Classification Sherloc (09022015). Collection method: clinical testing. Allele origin: germline. Not counted in ClinVar's aggregate classification.

Center for Genomic Medicine, Rigshospitalet, Copenhagen University Hospital
Classification: Likely benign. Last evaluated: 2025-03-04. Review status: criteria provided, single submitter. Criteria: ACMG Guidelines, 2015. Collection method: clinical testing. Allele origin: germline. Not counted in ClinVar's aggregate classification.

Department of Pathology and Laboratory Medicine, Sinai Health System
Classification: Benign for DICER1-related tumor predisposition. Last evaluated: 2024-06-03. Review status: criteria provided, single submitter. Criteria: ACMG Guidelines, 2015. Collection method: clinical testing. Allele origin: germline. Affected: yes. Not counted in ClinVar's aggregate classification.

Quest Diagnostics Nichols Institute San Juan Capistrano
Classification: Benign. Last evaluated: 2021-07-31. Review status: criteria provided, single submitter. Criteria: Quest Diagnostics criteria. Collection method: clinical testing. Allele origin: unknown. Not counted in ClinVar's aggregate classification.

Sema4
Classification: Benign for Hereditary cancer-predisposing syndrome. Last evaluated: 2020-10-12. Review status: criteria provided, single submitter. Criteria: Sema4 Curation Guidelines. Collection method: curation. Allele origin: germline. Not counted in ClinVar's aggregate classification.

Foulkes Cancer Genetics LDI, Lady Davis Institute for Medical Research
Classification: Likely benign. Last evaluated: 2019-07-01. Review status: criteria provided, single submitter. Criteria: ACMG Guidelines, 2015. Collection method: curation. Allele origin: somatic. Affected: yes. Observed: 1 variant allele. Not counted in ClinVar's aggregate classification.
Comment: ACMG criteria met: PP5, BS1, BS2, BP1

Ambry Genetics
Classification: Likely benign for Hereditary cancer-predisposing syndrome. Last evaluated: 2018-08-31. Review status: criteria provided, single submitter. Criteria: Ambry Variant Classification Scheme 2023. Collection method: clinical testing. Allele origin: germline. Not counted in ClinVar's aggregate classification.

Illumina Laboratory Services, Illumina
Classification: Benign for Pleuropulmonary blastoma. Last evaluated: 2018-01-12. Review status: criteria provided, single submitter. Criteria: ICSL Variant Classification Criteria 13 December 2019. Collection method: clinical testing. Allele origin: germline. Not counted in ClinVar's aggregate classification.
Comment: This variant was observed in the ICSL laboratory as part of a predisposition screen in an ostensibly healthy population. It had not been previously curated by ICSL or reported in the Human Gene Mutation Database (HGMD: prior to June 1st, 2018), and was therefore a candidate for classification through an automated scoring system. Utilizing variant allele frequency, disease prevalence and penetrance estimates, and inheritance mode, an automated score was calculated to assess if this variant is too frequent to cause the disease. Based on the score and internal cut-off values, a variant classified as benign is not then subjected to further curation. The score for this variant resulted in a classification of benign for this disease.

PreventionGenetics, part of Exact Sciences
Classification: Benign for DICER1-related condition. Last evaluated: 2022-07-22. Review status: no assertion criteria provided. Collection method: clinical testing. Allele origin: germline. Not counted in ClinVar's aggregate classification.
Comment: This variant is classified as benign based on ACMG/AMP sequence variant interpretation guidelines (Richards et al. 2015 PMID: 25741868, with internal and published modifications).

Literature cited by the submitters: PubMed 28524158 (cited by 3 submitters).